The following is an entry in ClinVar:

NM_000059.4(BRCA2):c.6811A>G (p.Lys2271Glu)

Gene: BRCA2 (BRCA2 DNA repair associated; plus strand). Cytogenetic location: 13q13.1.
Variant type: single nucleotide variant.
Coding change: c.6811A>G on transcript NM_000059.4 (MANE Select); coding-DNA position 6811, A replaced by G.
Protein change: p.Lys2271Glu; replaces lysine 2271 with glutamic acid.
Molecular consequence: missense variant.
Genome position (GRCh38, 1-based): chr13:32,341,166, A>G. VCF-style: chr13-32341166-A-G. GRCh37 (hg19) VCF-style: chr13-32915303-A-G.
Other names: short protein forms K2271E.
Identifiers: ClinVar variation 234882 (VCV000234882.5), dbSNP rs876661276, ClinGen allele CA10577482.

ClinVar aggregate classification (germline): Conflicting classifications of pathogenicity. Review status: criteria provided, conflicting classifications (1 of 4 stars). 3 submissions from 3 submitters: Uncertain significance (2); Likely benign (1). Last evaluated 2024-05-08.

Conditions:
Hereditary cancer-predisposing syndrome. Also called: Hereditary neoplastic syndrome; Hereditary Cancer Syndrome; Neoplastic Syndromes, Hereditary; Tumor predisposition. Identifiers: Orphanet 140162, MedGen C0027672, MeSH D009386, MONDO:0015356.

Submissions (3):

Ambry Genetics
Classification: Uncertain significance for Hereditary cancer-predisposing syndrome. Last evaluated: 2024-05-08. Review status: criteria provided, single submitter. Criteria: Ambry Variant Classification Scheme 2023. Collection method: clinical testing. Allele origin: germline.
Comment: The p.K2271E variant (also known as c.6811A>G), located in coding exon 10 of the BRCA2 gene, results from an A to G substitution at nucleotide position 6811. The lysine at codon 2271 is replaced by glutamic acid, an amino acid with similar properties. This amino acid position is conserved. In addition, the in silico prediction for this alteration is inconclusive. Based on the available evidence, the clinical significance of this variant remains unclear.

University of Washington Department of Laboratory Medicine, University of Washington
Classification: Likely benign for Hereditary cancer-predisposing syndrome. Last evaluated: 2023-03-23. Review status: criteria provided, single submitter. Criteria: Dines et al. (Genet Med. 2020). Collection method: curation. Allele origin: germline.
Comment: Missense variant in a coldspot region where missense variants are very unlikely to be pathogenic (PMID:31911673).

BRCA2 exon 11 coldspot. Reclassification based on statistical prior probability.

GeneDx
Classification: Uncertain significance. Last evaluated: 2016-03-03. Review status: criteria provided, single submitter. Criteria: GeneDx Variant Classification (06012015). Collection method: clinical testing. Allele origin: germline. Affected: yes.
Comment: This variant is denoted BRCA2 c.6811A>G at the cDNA level, p.Lys2271Glu (K2271E) at the protein level, and results in the change of a Lysine to a Glutamic Acid (AAA>GAA). Using alternate nomenclature, this variant would be defined as BRCA2 7039A>G. This variant has not, to our knowledge, been published in the literature as pathogenic or benign. BRCA2 Lys2271Glu was not observed in approximately 6,500 individuals of European and African American ancestry in the NHLBI Exome Sequencing Project, suggesting it is not a common benign variant in these populations. Since Lysine and Glutamic Acid differ in polarity, charge, size or other properties, this is considered a non-conservative amino acid substitution. BRCA2 Lys2271Glu occurs at a position that is conserved across species and is not located in a known functional domain (UniProt). In silico analyses are inconsistent regarding the effect this variant may have on protein structure and function. Based on currently available evidence, it is unclear whether BRCA2 Lys2271Glu is a pathogenic or benign variant. We consider it to be a variant of uncertain significance.